The following is an entry in ClinVar:

ClinVar aggregate classification (germline): Conflicting classifications of pathogenicity. Review status: criteria provided, conflicting classifications (1 of 4 stars). 7 submissions from 7 submitters: Uncertain significance (2); Benign (1); Likely benign (4). Last evaluated 2026-06-18.

Conditions:
ANK1-related disorder. Also called: ANK1-related condition.
Hereditary spherocytosis type 1. Also called: Spherocytosis type 1; ANK1-Related Spherocytosis. Identifiers: Orphanet 822, MedGen C2674218, MONDO:0008447, OMIM 182900.

Allele frequency attached by ClinVar (database versions not stated): ESP Exome Variant Server 0.00062; TOPMed 0.00066; gnomAD exomes 0.00068 and 0.00071; ExAC 0.00070; gnomAD 0.00098 and 0.00105.
gnomAD v4.1: 1,183 of 1,614,188 alleles (0.073%); highest among the groups gnomAD compares: Non-Finnish European, 0.083%; 2 homozygotes.

Submissions (7):

PreventionGenetics, part of Exact Sciences
Classification: Likely benign for ANK1-related condition. Last evaluated: 2026-06-18. Review status: criteria provided, single submitter. Criteria: ACMG Guidelines, 2015. Collection method: clinical testing. Allele origin: germline.
Comment: This variant is classified as likely benign based on ACMG/AMP sequence variant interpretation guidelines (Richards et al. 2015 PMID: 25741868, with internal and published modifications).

CeGaT Center for Human Genetics Tuebingen
Classification: Likely benign. Last evaluated: 2026-04-01. Review status: criteria provided, single submitter. Criteria: CeGaT Center For Human Genetics Tuebingen Variant Classification Criteria Version 2. Collection method: clinical testing. Allele origin: germline. Affected: yes. Observed: 2 variant alleles.
Comment: ANK1: BP4

Labcorp Genetics (formerly Invitae), Labcorp
Classification: Benign. Last evaluated: 2025-12-15. Review status: criteria provided, single submitter. Criteria: Invitae Variant Classification Sherloc (09022015). Collection method: clinical testing. Allele origin: germline.

ARUP Laboratories, Molecular Genetics and Genomics, ARUP Laboratories
Classification: Likely benign for Hereditary spherocytosis type 1. Last evaluated: 2025-03-28. Review status: criteria provided, single submitter. Criteria: ARUP Molecular Germline Variant Investigation Process 2024. Collection method: clinical testing. Allele origin: germline.

Laboratory of Genetics, Children's Clinical University Hospital Latvia
Classification: Likely benign. Last evaluated: 2025-02-16. Review status: criteria provided, single submitter. Criteria: ACMG Guidelines, 2015. Collection method: clinical testing. Allele origin: germline. Affected: yes.

Mayo Clinic Laboratories, Mayo Clinic
Classification: Uncertain significance. Last evaluated: 2023-01-12. Review status: criteria provided, single submitter. Criteria: ACMG Guidelines, 2015. Collection method: clinical testing. Allele origin: germline. Observed: 7 variant alleles.
Comment: BP4

Illumina Laboratory Services, Illumina
Classification: Uncertain significance for Hereditary spherocytosis type 1. Last evaluated: 2017-04-27. Review status: criteria provided, single submitter. Criteria: ICSL Variant Classification Criteria 13 December 2019. Collection method: clinical testing. Allele origin: germline.
Comment: This variant was observed as part of a predisposition screen in an ostensibly healthy population. A literature search was performed for the gene, cDNA change, and amino acid change (where applicable). Publications were found based on this search. However, the evidence from the literature, in combination with allele frequency data from public databases where available, was not sufficient to rule this variant in or out of causing disease. Therefore, this variant is classified as a variant of unknown significance.

Literature cited by the submitters: PubMed 8640229 (cited by Illumina Laboratory Services, Illumina); PubMed 15071790 (cited by Illumina Laboratory Services, Illumina).

NM_000037.4(ANK1):c.1387G>A (p.Val463Ile)

Gene: ANK1 (ankyrin 1; minus strand). Cytogenetic location: 8p11.21.
Variant type: single nucleotide variant.
Coding change: c.1387G>A on transcript NM_000037.4 (MANE Select); coding-DNA position 1387, G replaced by A.
Protein change: p.Val463Ile; replaces valine 463 with isoleucine.
Molecular consequence: missense variant.
Genome position (GRCh38, 1-based): chr8:41,716,970, C>T on the plus strand (G>A on the coding strand, the complement: ANK1 is on the minus strand). VCF-style: chr8-41716970-C-T. GRCh37 (hg19) VCF-style: chr8-41574488-C-T.
Other names: p.Val463Ile; c.1486G>A, p.Val496Ile (NM_001142446.2); c.1387G>A, p.Val463Ile (NM_020475.3, NM_020476.3, NM_020477.3); c.1387G>A (NM_020476.2); short protein forms V496I, V463I.
Identifiers: ClinVar variation 719959 (VCV000719959.49), dbSNP rs140085544, ClinGen allele CA4728642.